The following is an entry in ClinVar:

ClinVar aggregate classification (germline): Pathogenic (1 of 4 stars; one submission).

Conditions:
Duchenne muscular dystrophy (DMD). Also called: MUSCULAR DYSTROPHY, PSEUDOHYPERTROPHIC PROGRESSIVE, DUCHENNE TYPE; Duchenne Muscular Dystrophy (DMD). Identifiers: Orphanet 98896, MedGen C0013264, MONDO:0010679, OMIM 310200.

Submission:

Athena Diagnostics
Classification: Pathogenic for Duchenne muscular dystrophy. Last evaluated: 2013-04-09. Review status: criteria provided, single submitter. Criteria: Athena Diagnostics Criteria. Collection method: clinical testing. Allele origin: germline. Inheritance: X-linked recessive inheritance.
Comment: X-linked recessive inheritance

Literature cited by the submitters: PubMed 16077730.

NM_004006.3(DMD):c.10412T>G (p.Leu3471Ter)

Gene: DMD (dystrophin; minus strand). Cytogenetic location: Xp21.2.
Variant type: single nucleotide variant.
Coding change: c.10412T>G on transcript NM_004006.3 (MANE Select); coding-DNA position 10412, T replaced by G.
Protein change: p.Leu3471Ter; replaces leucine 3471 with a stop codon.
Molecular consequence: nonsense. On other transcripts: intron variant (2).
Genome position (GRCh38, 1-based): chrX:31,169,584, A>C on the plus strand (T>G on the coding strand, the complement: DMD is on the minus strand). VCF-style: chrX-31169584-A-C. GRCh37 (hg19) VCF-style: chrX-31187701-A-C.
Other names: c.1208T>G, p.Leu403Ter (NM_004016.3, NM_004015.3); c.1169T>G, p.Leu390Ter (NM_004017.3, NM_004018.3); c.3032T>G, p.Leu1011Ter (NM_004021.3, NM_004013.3); c.2993T>G, p.Leu998Ter (NM_004022.3); c.2843+9085T>G (NM_004023.3, NM_004020.4); c.10388T>G, p.Leu3463Ter (NM_000109.4); c.10400T>G, p.Leu3467Ter (NM_004009.3); c.10043T>G, p.Leu3348Ter (NM_004010.3); and 3 more; short protein forms L3471*, L2127*, L403*, L3463*, L1011*, L3348*, L998*, L2130*.
Identifiers: ClinVar variation 217173 (VCV000217173.1), dbSNP rs863224976, ClinGen allele CA347580.
Genomic context (GRCh38, chrX:31,169,584, plus strand): 5'-GGACTACGAGGCTGGCTCAGGGGGGAGTCCTGGTTCAAACTTTGGCAGTAATGCTGGATT[A>C]ACAAATGTTCATCATCTCTGGAAAATAAAATCAAAGGTTTTGGTTTTTTCCCCCCCTTAT-3'